The following is an entry in ClinVar:

NM_001382391.1(CSPP1):c.3140T>C (p.Val1047Ala)

Genes: ARFGEF1 (ARF guanine nucleotide exchange factor 1; minus strand), CSPP1 (centrosome and spindle pole associated protein 1; plus strand). Cytogenetic location: 8q13.2.
Variant type: single nucleotide variant.
Coding change: c.3140T>C on transcript NM_001382391.1 (MANE Select); coding-DNA position 3140, T replaced by C.
Protein change: p.Val1047Ala; replaces valine 1047 with alanine.
Molecular consequence: missense variant. On other transcripts: intron variant (2).
Genome position (GRCh38, 1-based): chr8:67,177,710, T>C. VCF-style: chr8-67177710-T-C. GRCh37 (hg19) VCF-style: chr8-68089945-T-C.
Other names: c.2090T>C, p.Val697Ala (NM_001291339.2); c.3059T>C, p.Val1020Ala (NM_001363131.2); c.2945T>C, p.Val982Ala (NM_001363132.2); c.2864T>C, p.Val955Ala (NM_001363133.2); c.3206T>C, p.Val1069Ala (NM_001364869.1); c.3026T>C, p.Val1009Ala (NM_001364870.1); c.2972T>C, p.Val991Ala (NM_001438330.1); c.3125T>C, p.Val1042Ala (NM_001438331.1, NM_024790.7); and 3 more; short protein forms V1009A, V1020A, V1042A, V1047A, V1069A, V697A, V955A, V982A.
Identifiers: ClinVar variation 1710751 (VCV001710751.2), dbSNP rs781571671, ClinGen allele CA4771070.

ClinVar aggregate classification (germline): Uncertain significance (1 of 4 stars; one submission).

Allele frequency attached by ClinVar (database versions not stated): ExAC 0.00001; gnomAD exomes 0.00010; gnomAD 0.00003; TOPMed 0.00004.
gnomAD v4.1: 147 of 1,612,068 alleles (0.0091%); highest among the groups gnomAD compares: Non-Finnish European, 0.012%; no homozygotes.

Submission:

GeneDx
Classification: Uncertain significance. Last evaluated: 2022-04-14. Review status: criteria provided, single submitter. Criteria: GeneDx Variant Classification Process June 2021. Collection method: clinical testing. Allele origin: germline. Affected: yes.
Comment: Not observed at significant frequency in large population cohorts (gnomAD); In silico analysis supports that this missense variant does not alter protein structure/function; Has not been previously published as pathogenic or benign to our knowledge